The following is an entry in ClinVar:

ClinVar aggregate classification (germline): Uncertain significance (1 of 4 stars; one submission).

Allele frequency attached by ClinVar (database versions not stated): gnomAD exomes below 0.00001; ExAC 0.00001.

Submission:

Labcorp Genetics (formerly Invitae), Labcorp
Classification: Uncertain significance. Last evaluated: 2022-06-13. Review status: criteria provided, single submitter. Criteria: Invitae Variant Classification Sherloc (09022015). Collection method: clinical testing. Allele origin: germline.
Comment: In summary, the available evidence is currently insufficient to determine the role of this variant in disease. Therefore, it has been classified as a Variant of Uncertain Significance. Algorithms developed to predict the effect of missense changes on protein structure and function (SIFT, PolyPhen-2, Align-GVGD) all suggest that this variant is likely to be tolerated. This variant has not been reported in the literature in individuals affected with NEK2-related conditions. The frequency data for this variant in the population databases is considered unreliable, as metrics indicate poor data quality at this position in the gnomAD database. This sequence change replaces proline, which is neutral and non-polar, with threonine, which is neutral and polar, at codon 293 of the NEK2 protein (p.Pro293Thr).

NM_002497.4(NEK2):c.877C>A (p.Pro293Thr)

Gene: NEK2 (NIMA related kinase 2; minus strand). Cytogenetic location: 1q32.3.
Variant type: single nucleotide variant.
Coding change: c.877C>A on transcript NM_002497.4 (MANE Select); coding-DNA position 877, C replaced by A.
Protein change: p.Pro293Thr; replaces proline 293 with threonine.
Molecular consequence: missense variant.
Genome position (GRCh38, 1-based): chr1:211,669,221, G>T on the plus strand (C>A on the coding strand, the complement: NEK2 is on the minus strand). VCF-style: chr1-211669221-G-T. GRCh37 (hg19) VCF-style: chr1-211842563-G-T.
Other names: c.877C>A, p.Pro293Thr (NM_001204182.2, NM_001204183.2); short protein forms P293T.
Identifiers: ClinVar variation 1345941 (VCV001345941.8), dbSNP rs754639923, ClinGen allele CA1381573.
Genomic context (GRCh38, chr1:211,669,221, plus strand): 5'-ACTGAATTTCCTTCAGTTTCAGCTCACTCAATACAGGGCTGGAATCCTGCGATTTTTCTG[G>T]CTCTCCTAATTGTCGCCCTCTTCTCTCAAGATTTCTTCTTTGCTCGTCTGCAACCAAATC-3'
Protein context (NP_002488.1, residues 283-303): LERRGRQLGE[Pro293Thr]EKSQDSSPVL